The following is an entry in ClinVar:

NM_001080467.3(MYO5B):c.1555G>A (p.Gly519Arg)

Gene: MYO5B (myosin VB; minus strand). Cytogenetic location: 18q21.1.
Variant type: single nucleotide variant.
Coding change: c.1555G>A on transcript NM_001080467.3 (MANE Select); coding-DNA position 1555, G replaced by A.
Protein change: p.Gly519Arg; replaces glycine 519 with arginine.
Molecular consequence: missense variant.
Genome position (GRCh38, 1-based): chr18:49,954,426, C>T on the plus strand (G>A on the coding strand, the complement: MYO5B is on the minus strand). VCF-style: chr18-49954426-C-T. GRCh37 (hg19) VCF-style: chr18-47480796-C-T.
Other names: short protein forms G519R.
Identifiers: ClinVar variation 1305340 (VCV001305340.2), dbSNP rs2144246987, ClinGen allele CA402429447.
Genomic context (GRCh38, chr18:49,954,426, plus strand): 5'-GGAAGTGCTGGCTGCTGGAGTGCCGGTCATAGAGCTTCTGAGCCCAGTTCTGGTCAGTTC[C>T]TTTGGGGACCTGCAGAACCACAAGATAGGGCAGAGCGCTTTGTGAAGAGGAAGAAGGAAG-3'
Protein context (NP_001073936.1, residues 509-529): LLDEECKVPK[Gly519Arg]TDQNWAQKLY

ClinVar aggregate classification (germline): Uncertain significance (1 of 4 stars; one submission).

Submission:

GeneDx
Classification: Uncertain significance. Last evaluated: 2019-04-19. Review status: criteria provided, single submitter. Criteria: GeneDx Variant Classification Process June 2021. Collection method: clinical testing. Allele origin: germline. Affected: yes.
Comment: Not observed in large population cohorts (Lek et al., 2016); In silico analysis, which includes protein predictors and evolutionary conservation, supports a deleterious effect; Has not been previously published as pathogenic or benign to our knowledge